The following is an entry in ClinVar:

ClinVar aggregate classification (germline): Uncertain significance (1 of 4 stars; one submission).

Conditions:
Inborn genetic diseases. Identifiers: MedGen C0950123, MeSH D030342.

Submission:

Ambry Genetics
Classification: Uncertain significance for Inborn genetic diseases. Last evaluated: 2025-02-27. Review status: criteria provided, single submitter. Criteria: Ambry Variant Classification Scheme 2023. Collection method: clinical testing. Allele origin: germline.
Comment: The p.R189L variant (also known as c.566G>T), located in coding exon 5 of the G6PC3 gene, results from a G to T substitution at nucleotide position 566. The arginine at codon 189 is replaced by leucine, an amino acid with dissimilar properties. This amino acid position is conserved. In addition, the in silico prediction for this alteration is inconclusive. Based on the available evidence, the clinical significance of this variant remains unclear.

NM_138387.4(G6PC3):c.566G>T (p.Arg189Leu)

Gene: G6PC3 (glucose-6-phosphatase catalytic subunit 3; plus strand). Cytogenetic location: 17q21.31.
Variant type: single nucleotide variant.
Coding change: c.566G>T on transcript NM_138387.4 (MANE Select); coding-DNA position 566, G replaced by T.
Protein change: p.Arg189Leu; replaces arginine 189 with leucine.
Molecular consequence: missense variant. On other transcripts: synonymous variant (1).
Genome position (GRCh38, 1-based): chr17:44,075,340, G>T. VCF-style: chr17-44075340-G-T. GRCh37 (hg19) VCF-style: chr17-42152708-G-T.
Other names: c.447G>T, p.Pro149= (NM_001319945.2); c.221G>T, p.Arg74Leu (NM_001384165.1, NM_001384166.1, NM_001384167.1 and 1 more transcripts); short protein forms R189L, R74L.
Identifiers: ClinVar variation 3852377 (VCV003852377.1).